The following is an entry in ClinVar:

ClinVar aggregate classification (germline): Uncertain significance (1 of 4 stars; one submission).

Allele frequency attached by ClinVar (database versions not stated): gnomAD exomes below 0.00001; gnomAD 0.00001.
gnomAD v4.1: 4 of 1,613,964 alleles (0.00025%); highest among the groups gnomAD compares: East Asian, 0.0022%; no homozygotes.

Submission:

Labcorp Genetics (formerly Invitae), Labcorp
Classification: Uncertain significance. Last evaluated: 2022-03-10. Review status: criteria provided, single submitter. Criteria: Invitae Variant Classification Sherloc (09022015). Collection method: clinical testing. Allele origin: germline.
Comment: This sequence change replaces arginine, which is basic and polar, with histidine, which is basic and polar, at codon 685 of the LRRC8A protein (p.Arg685His). This variant is present in population databases (no rsID available, gnomAD 0.005%). This variant has not been reported in the literature in individuals affected with LRRC8A-related conditions. Algorithms developed to predict the effect of missense changes on protein structure and function (SIFT, PolyPhen-2, Align-GVGD) all suggest that this variant is likely to be disruptive. In summary, the available evidence is currently insufficient to determine the role of this variant in disease. Therefore, it has been classified as a Variant of Uncertain Significance.

NM_019594.4(LRRC8A):c.2054G>A (p.Arg685His)

Gene: LRRC8A (leucine rich repeat containing 8 VRAC subunit A; plus strand). Cytogenetic location: 9q34.11.
Variant type: single nucleotide variant.
Coding change: c.2054G>A on transcript NM_019594.4 (MANE Select); coding-DNA position 2054, G replaced by A.
Protein change: p.Arg685His; replaces arginine 685 with histidine.
Molecular consequence: missense variant.
Genome position (GRCh38, 1-based): chr9:128,909,218, G>A. VCF-style: chr9-128909218-G-A. GRCh37 (hg19) VCF-style: chr9-131671497-G-A.
Other names: c.2054G>A, p.Arg685His (NM_001127244.2, NM_001127245.2); short protein forms R685H.
Identifiers: ClinVar variation 2096478 (VCV002096478.4), dbSNP rs1356244793, ClinGen allele CA375086680.